The following is an entry in ClinVar:

ClinVar aggregate classification (germline): Uncertain significance (1 of 4 stars; one submission).

Submission:

Labcorp Genetics (formerly Invitae), Labcorp
Classification: Uncertain significance. Last evaluated: 2024-05-04. Review status: criteria provided, single submitter. Criteria: Invitae Variant Classification Sherloc (09022015). Collection method: clinical testing. Allele origin: germline.
Comment: This sequence change replaces arginine, which is basic and polar, with lysine, which is basic and polar, at codon 301 of the LAMB1 protein (p.Arg301Lys). This variant is present in population databases (rs756678165, gnomAD 0.007%). This variant has not been reported in the literature in individuals affected with LAMB1-related conditions. An algorithm developed to predict the effect of missense changes on protein structure and function (PolyPhen-2) suggests that this variant is likely to be tolerated. In summary, the available evidence is currently insufficient to determine the role of this variant in disease. Therefore, it has been classified as a Variant of Uncertain Significance.

NM_002291.3(LAMB1):c.902G>A (p.Arg301Lys)

Gene: LAMB1 (laminin subunit beta 1; minus strand). Cytogenetic location: 7q31.1.
Variant type: single nucleotide variant.
Coding change: c.902G>A on transcript NM_002291.3 (MANE Select); coding-DNA position 902, G replaced by A.
Protein change: p.Arg301Lys; replaces arginine 301 with lysine.
Molecular consequence: missense variant.
Genome position (GRCh38, 1-based): chr7:107,978,145, C>T on the plus strand (G>A on the coding strand, the complement: LAMB1 is on the minus strand). VCF-style: chr7-107978145-C-T. GRCh37 (hg19) VCF-style: chr7-107618590-C-T.
Other names: short protein forms R301K.
Identifiers: ClinVar variation 3606331 (VCV003606331.2).
Genomic context (GRCh38, chr7:107,978,145, plus strand): 5'-CAAGGTAAATCATGGTAGAAATCCATGCAGAGTTCACAGTTTAAGCCCTTGGTGTTATGC[C>T]TGCACATGCAGTGTCCGTGAACCTTGAAAGTTATAAAAACAGGAGAGAACAAAGGAAGAG-3'
Protein context (NP_002282.2, residues 291-311): EGMVHGHCMC[Arg301Lys]HNTKGLNCEL